The following is an entry in ClinVar:

ClinVar aggregate classification (germline): Likely benign (1 of 4 stars; one submission).

Allele frequency attached by ClinVar (database versions not stated): 1000 Genomes Project 0.00120; 1000 Genomes Project 30x 0.00125; ESP Exome Variant Server 0.00169; TOPMed 0.00176; gnomAD 0.00190; ExAC 0.00200.
gnomAD v4.1: 3,702 of 1,613,962 alleles (0.23%); highest among the groups gnomAD compares: Middle Eastern, 0.96%; 13 homozygotes.

Submission:

CeGaT Center for Human Genetics Tuebingen
Classification: Likely benign. Last evaluated: 2022-03-01. Review status: criteria provided, single submitter. Criteria: CeGaT Center For Human Genetics Tuebingen Variant Classification Criteria Version 2. Collection method: clinical testing. Allele origin: germline. Affected: yes. Observed: 1 variant allele.
Comment: UBXN6: BP4, BP7

NM_025241.3(UBXN6):c.645C>T (p.His215=)

Genes: CHAF1A (chromatin assembly factor 1 subunit A; plus strand), UBXN6 (UBX domain protein 6; minus strand). Cytogenetic location: 19p13.3.
Variant type: single nucleotide variant.
Coding change: c.645C>T on transcript NM_025241.3 (MANE Select); coding-DNA position 645, C replaced by T.
Protein change: p.His215=; no amino-acid change (histidine 215 retained).
Molecular consequence: synonymous variant.
Genome position (GRCh38, 1-based): chr19:4,446,891, G>A on the plus strand (C>T on the coding strand, the complement: UBXN6 is on the minus strand). VCF-style: chr19-4446891-G-A. GRCh37 (hg19) VCF-style: chr19-4446888-G-A.
Other names: c.486C>T, p.His162= (NM_001171091.2).
Identifiers: ClinVar variation 2649036 (VCV002649036.24), dbSNP rs149610347, ClinGen allele CA9098210.